The following is an entry in ClinVar:

ClinVar aggregate classification (germline): Uncertain significance (1 of 4 stars; one submission).

Submission:

Labcorp Genetics (formerly Invitae), Labcorp
Classification: Uncertain significance. Last evaluated: 2025-01-06. Review status: criteria provided, single submitter. Criteria: Invitae Variant Classification Sherloc (09022015). Collection method: clinical testing. Allele origin: germline.
Comment: This variant, c.2067_2069del, results in the deletion of 1 amino acid(s) of the FRMD7 protein (p.Glu689del), but otherwise preserves the integrity of the reading frame. This variant is present in population databases (rs745846839, gnomAD 0.008%), including at least one homozygous and/or hemizygous individual. This variant has not been reported in the literature in individuals affected with FRMD7-related conditions. Experimental studies and prediction algorithms are not available or were not evaluated, and the functional significance of this variant is currently unknown. In summary, the available evidence is currently insufficient to determine the role of this variant in disease. Therefore, it has been classified as a Variant of Uncertain Significance.

NM_194277.3(FRMD7):c.2064AGA[1] (p.Glu689del)

Gene: FRMD7 (FERM domain containing 7; minus strand). Cytogenetic location: Xq26.2.
Variant type: Microsatellite.
Coding change: c.2064AGA[1] on transcript NM_194277.3 (MANE Select); one copy of the 3-base unit AGA starting at c.2064; the reference has two copies in a row; one copy, 3 bases deleted.
Protein change: p.Glu689del; deletes glutamic acid 689.
Molecular consequence: inframe deletion.
Genome position (GRCh38, 1-based): chrX:132,077,948-132,077,950, TCT deleted on the plus strand (AGA on the coding strand, the reverse complement: FRMD7 is on the minus strand); deleting any 3 consecutive bases within chrX:132,077,948-132,077,955 gives the same sequence; the position shown is the placement nearest the transcript's 3' end. VCF-style (leftmost placement, unchanged base first): chrX-132077947-ATCT-A. GRCh37 (hg19) VCF-style: chrX-131211975-ATCT-A.
Other names: c.2019AGA[1], p.Glu674del (NM_001306193.2); short protein forms E689del, E674del.
Identifiers: ClinVar variation 2116955 (VCV002116955.4), dbSNP rs745846839, ClinGen allele CA10518783.